The following is an entry in ClinVar:

ClinVar aggregate classification (germline): Uncertain significance (1 of 4 stars; one submission).

Conditions:
Muscular dystrophy-dystroglycanopathy (congenital with brain and eye anomalies), type A2. Also called: MUSCULAR DYSTROPHY-DYSTROGLYCANOPATHY (CONGENITAL WITH BRAIN AND EYE ANOMALIES), TYPE A, 2; WALKER-WARBURG SYNDROME OR MUSCLE-EYE-BRAIN DISEASE, POMT2-RELATED. Identifiers: Orphanet 588, Orphanet 899, MedGen C3150411, MONDO:0013154, OMIM 613150.
Autosomal recessive limb-girdle muscular dystrophy type 2N. Also called: MUSCULAR DYSTROPHY-DYSTROGLYCANOPATHY, LIMB-GIRDLE, POMT2-RELATED; Muscular dystrophy-dystroglycanopathy (limb-girdle), type C, 2. Identifiers: Orphanet 206559, MedGen C3150418, MONDO:0013162, OMIM 613158.
Muscular dystrophy-dystroglycanopathy (congenital with impaired intellectual development), type B, 2. Also called: Muscular dystrophy-dystroglycanopathy (congenital with intellectual disability), type B2; MUSCULAR DYSTROPHY, CONGENITAL, POMT2-RELATED. Identifiers: MedGen C3150416, MONDO:0013160, OMIM 613156.

Submission:

Labcorp Genetics (formerly Invitae), Labcorp
Classification: Uncertain significance for Muscular dystrophy-dystroglycanopathy (congenital with impaired intellectual development), type B, 2; Muscular dystrophy-dystroglycanopathy (congenital with brain and eye anomalies), type A2; Autosomal recessive limb-girdle muscular dystrophy type 2N. Last evaluated: 2024-11-05. Review status: criteria provided, single submitter. Criteria: Invitae Variant Classification Sherloc (09022015). Collection method: clinical testing. Allele origin: germline.
Comment: This sequence change replaces leucine, which is neutral and non-polar, with glutamine, which is neutral and polar, at codon 577 of the POMT2 protein (p.Leu577Gln). This variant is not present in population databases (gnomAD no frequency). This variant has not been reported in the literature in individuals affected with POMT2-related conditions. ClinVar contains an entry for this variant (Variation ID: 2063569). Invitae Evidence Modeling of protein sequence and biophysical properties (such as structural, functional, and spatial information, amino acid conservation, physicochemical variation, residue mobility, and thermodynamic stability) indicates that this missense variant is not expected to disrupt POMT2 protein function with a negative predictive value of 95%. In summary, the available evidence is currently insufficient to determine the role of this variant in disease. Therefore, it has been classified as a Variant of Uncertain Significance.

NM_013382.7(POMT2):c.1730T>A (p.Leu577Gln)

Gene: POMT2 (protein O-mannosyltransferase 2; minus strand). Cytogenetic location: 14q24.3.
Variant type: single nucleotide variant.
Coding change: c.1730T>A on transcript NM_013382.7 (MANE Select); coding-DNA position 1730, T replaced by A.
Protein change: p.Leu577Gln; replaces leucine 577 with glutamine.
Molecular consequence: missense variant.
Genome position (GRCh38, 1-based): chr14:77,280,076, A>T on the plus strand (T>A on the coding strand, the complement: POMT2 is on the minus strand). VCF-style: chr14-77280076-A-T. GRCh37 (hg19) VCF-style: chr14-77746419-A-T.
Other names: short protein forms L577Q.
Identifiers: ClinVar variation 2063569 (VCV002063569.3), dbSNP rs2503167322, ClinGen allele CA390515181.